The following is an entry in ClinVar:

ClinVar aggregate classification (germline): Uncertain significance. Review status: criteria provided, multiple submitters, no conflicts (2 of 4 stars). 2 submissions from 2 submitters: Uncertain significance (2). Last evaluated 2025-07-03.

Conditions:
Cardiovascular phenotype. Identifiers: MedGen CN230736.

Allele frequency attached by ClinVar (database versions not stated): TOPMed 0.00001.

Submissions (2):

GeneDx
Classification: Uncertain significance. Last evaluated: 2025-07-03. Review status: criteria provided, single submitter. Criteria: GeneDx Variant Classification Process June 2021. Collection method: clinical testing. Allele origin: germline.
Comment: Not observed at significant frequency in large population cohorts (gnomAD); In silico analysis supports that this missense variant has a deleterious effect on protein structure/function; Has not been previously published as pathogenic or benign to our knowledge

Ambry Genetics
Classification: Uncertain significance for Cardiovascular phenotype. Last evaluated: 2019-09-27. Review status: criteria provided, single submitter. Criteria: Ambry Variant Classification Scheme 2023. Collection method: clinical testing. Allele origin: germline.
Comment: The p.Q1725L variant (also known as c.5174A>T), located in coding exon 42 of the CACNA1C gene, results from an A to T substitution at nucleotide position 5174. The glutamine at codon 1725 is replaced by leucine, an amino acid with dissimilar properties. This amino acid position is highly conserved in available vertebrate species. In addition, this alteration is predicted to be deleterious by in silico analysis. Since supporting evidence is limited at this time, the clinical significance of this alteration remains unclear.

NM_000719.7(CACNA1C):c.5174A>T (p.Gln1725Leu)

Genes: CACNA1C (calcium voltage-gated channel subunit alpha1 C; plus strand), CACNA1C-AS1 (CACNA1C antisense RNA 1; minus strand). Cytogenetic location: 12p13.33.
Variant type: single nucleotide variant.
Coding change: c.5174A>T on transcript NM_000719.7 (MANE Select); coding-DNA position 5174, A replaced by T.
Protein change: p.Gln1725Leu; replaces glutamine 1725 with leucine.
Molecular consequence: missense variant.
Genome position (GRCh38, 1-based): chr12:2,679,526, A>T. VCF-style: chr12-2679526-A-T. GRCh37 (hg19) VCF-style: chr12-2788692-A-T.
Other names: c.5231A>T, p.Gln1744Leu (NM_001129833.2, NM_001129834.2, NM_001129835.2); c.5225A>T, p.Gln1742Leu (NM_001129836.2); c.5198A>T, p.Gln1733Leu (NM_001129837.2, NM_001129838.2); c.5192A>T, p.Gln1731Leu (NM_001129839.2); c.5174A>T, p.Gln1725Leu (NM_001129840.2, NM_001129841.2, NM_001129830.3 and 4 more transcripts); c.5318A>T, p.Gln1773Leu (NM_001129827.2, NM_199460.4); c.5297A>T, p.Gln1766Leu (NM_001129829.2); c.5258A>T, p.Gln1753Leu (NM_001129831.2); and 3 more; short protein forms Q1742L, Q1744L, Q1773L, Q1722L, Q1745L, Q1753L, Q1714L, Q1725L.
Identifiers: ClinVar variation 1745815 (VCV001745815.4), dbSNP rs1440200184, ClinGen allele CA383378652.